The following is an entry in ClinVar:

ClinVar aggregate classification (germline): Uncertain significance (1 of 4 stars; one submission).

gnomAD v4.1: 5 of 1,597,082 alleles (0.00031%); highest among the groups gnomAD compares: Non-Finnish European, 0.00043%; no homozygotes.

Submission:

Labcorp Genetics (formerly Invitae), Labcorp
Classification: Uncertain significance. Last evaluated: 2022-08-22. Review status: criteria provided, single submitter. Criteria: Invitae Variant Classification Sherloc (09022015). Collection method: clinical testing. Allele origin: germline.
Comment: In summary, the available evidence is currently insufficient to determine the role of this variant in disease. Therefore, it has been classified as a Variant of Uncertain Significance. Algorithms developed to predict the effect of missense changes on protein structure and function output the following: SIFT: "Tolerated"; PolyPhen-2: "Not Available"; Align-GVGD: "Class C0". The leucine amino acid residue is found in multiple mammalian species, which suggests that this missense change does not adversely affect protein function. This variant has not been reported in the literature in individuals affected with FZD4-related conditions. This variant is not present in population databases (gnomAD no frequency). This sequence change replaces proline, which is neutral and non-polar, with leucine, which is neutral and non-polar, at codon 11 of the FZD4 protein (p.Pro11Leu).

NM_012193.4(FZD4):c.32C>T (p.Pro11Leu)

Gene: FZD4 (frizzled class receptor 4; minus strand). Cytogenetic location: 11q14.2.
Variant type: single nucleotide variant.
Coding change: c.32C>T on transcript NM_012193.4 (MANE Select); coding-DNA position 32, C replaced by T.
Protein change: p.Pro11Leu; replaces proline 11 with leucine.
Molecular consequence: missense variant.
Genome position (GRCh38, 1-based): chr11:86,955,054, G>A on the plus strand (C>T on the coding strand, the complement: FZD4 is on the minus strand). VCF-style: chr11-86955054-G-A. GRCh37 (hg19) VCF-style: chr11-86666096-G-A.
Other names: short protein forms P11L.
Identifiers: ClinVar variation 2183147 (VCV002183147.4), dbSNP rs766393047, ClinGen allele CA382018638.